The following is an entry in ClinVar:

NM_000361.3(THBD):c.1278G>A (p.Glu426=)

Gene: THBD (thrombomodulin; minus strand). Cytogenetic location: 20p11.21.
Variant type: single nucleotide variant.
Coding change: c.1278G>A on transcript NM_000361.3 (MANE Select); coding-DNA position 1278, G replaced by A.
Protein change: p.Glu426=; no amino-acid change (glutamic acid 426 retained).
Molecular consequence: synonymous variant.
Genome position (GRCh38, 1-based): chr20:23,048,227, C>T on the plus strand (G>A on the coding strand, the complement: THBD is on the minus strand). VCF-style: chr20-23048227-C-T. GRCh37 (hg19) VCF-style: chr20-23028864-C-T.
Identifiers: ClinVar variation 3022211 (VCV003022211.25), dbSNP rs1029201192, ClinGen allele CA313550866.

ClinVar aggregate classification (germline): Likely benign. Review status: criteria provided, multiple submitters, no conflicts (2 of 4 stars). 2 submissions from 2 submitters: Likely benign (2). Last evaluated 2025-11-28.

Allele frequency attached by ClinVar (database versions not stated): gnomAD 0.00001.

Submissions (2):

Labcorp Genetics (formerly Invitae), Labcorp
Classification: Likely benign. Last evaluated: 2025-11-28. Review status: criteria provided, single submitter. Criteria: Invitae Variant Classification Sherloc (09022015). Collection method: clinical testing. Allele origin: germline.

CeGaT Center for Human Genetics Tuebingen
Classification: Likely benign. Last evaluated: 2023-12-01. Review status: criteria provided, single submitter. Criteria: CeGaT Center For Human Genetics Tuebingen Variant Classification Criteria Version 2. Collection method: clinical testing. Allele origin: germline. Affected: yes. Observed: 1 variant allele.
Comment: THBD: BP4, BP7